The following is an entry in ClinVar:

ClinVar aggregate classification (germline): Likely pathogenic (1 of 4 stars; one submission).

gnomAD v4.1: 6 of 1,614,032 alleles (0.00037%); highest among the groups gnomAD compares: East Asian, 0.0022%; no homozygotes.

Submission:

Dasa
Classification: Likely pathogenic. Last evaluated: 2025-12-27. Review status: criteria provided, single submitter. Criteria: DASA Assertion Criteria. Collection method: clinical testing. Allele origin: germline.
Comment: NM_014865.4(NCAPD2):c.4063C>T (p.Arg1355*) introduces a premature termination codon predicted to result in loss of normal protein function. Loss-of-function is an established mechanism of disease for this gene. The variant is present at low frequency in population datasets. Based on the available data, this variant is classified as likely pathogenic.

NM_014865.4(NCAPD2):c.4063C>T (p.Arg1355Ter)

Gene: NCAPD2 (non-SMC condensin I complex subunit D2; plus strand). Cytogenetic location: 12p13.31.
Variant type: single nucleotide variant.
Coding change: c.4063C>T on transcript NM_014865.4 (MANE Select); coding-DNA position 4063, C replaced by T.
Protein change: p.Arg1355Ter; replaces arginine 1355 with a stop codon.
Molecular consequence: nonsense.
Genome position (GRCh38, 1-based): chr12:6,531,019, C>T. VCF-style: chr12-6531019-C-T. GRCh37 (hg19) VCF-style: chr12-6640185-C-T.
Other names: short protein forms R1355*.
Identifiers: ClinVar variation 4851863 (VCV004851863.1).